The following is an entry in ClinVar:

ClinVar aggregate classification (germline): Uncertain significance (1 of 4 stars; one submission).

Conditions:
Fanconi anemia complementation group J. Also called: BRIP1-Related Fanconi Anemia. Identifiers: Orphanet 84, MedGen C1836860, MONDO:0012187, OMIM 609054.
Familial cancer of breast. Also called: BREAST CANCER, FAMILIAL; Hereditary breast cancer; hereditary breast carcinoma. Identifiers: Orphanet 227535, MedGen C0346153, MONDO:0016419, OMIM 114480. Disease mechanism: loss of function.

Submission:

Labcorp Genetics (formerly Invitae), Labcorp
Classification: Uncertain significance for Familial cancer of breast; Fanconi anemia complementation group J. Last evaluated: 2025-01-28. Review status: criteria provided, single submitter. Criteria: Invitae Variant Classification Sherloc (09022015). Collection method: clinical testing. Allele origin: germline.
Comment: This sequence change replaces methionine, which is neutral and non-polar, with threonine, which is neutral and polar, at codon 480 of the BRIP1 protein (p.Met480Thr). This variant is not present in population databases (gnomAD no frequency). This variant has not been reported in the literature in individuals affected with BRIP1-related conditions. Invitae Evidence Modeling of protein sequence and biophysical properties (such as structural, functional, and spatial information, amino acid conservation, physicochemical variation, residue mobility, and thermodynamic stability) has been performed for this missense variant. However, the output from this modeling did not meet the statistical confidence thresholds required to predict the impact of this variant on BRIP1 protein function. In summary, the available evidence is currently insufficient to determine the role of this variant in disease. Therefore, it has been classified as a Variant of Uncertain Significance.

NM_032043.3(BRIP1):c.1439T>C (p.Met480Thr)

Gene: BRIP1 (BRCA1 interacting DNA helicase 1; minus strand). Cytogenetic location: 17q23.2.
Variant type: single nucleotide variant.
Coding change: c.1439T>C on transcript NM_032043.3 (MANE Select); coding-DNA position 1439, T replaced by C.
Protein change: p.Met480Thr; replaces methionine 480 with threonine.
Molecular consequence: missense variant.
Genome position (GRCh38, 1-based): chr17:61,793,631, A>G on the plus strand (T>C on the coding strand, the complement: BRIP1 is on the minus strand). VCF-style: chr17-61793631-A-G. GRCh37 (hg19) VCF-style: chr17-59870992-A-G.
Other names: short protein forms M480T.
Identifiers: ClinVar variation 3759049 (VCV003759049.2).
Genomic context (GRCh38, chr17:61,793,631, plus strand): 5'-TTTCACAGGTAGAAAAAATATCTTACCTGCAAAATGGGAAAAGTAGCAGTGGTGATACCC[A>G]TTTTGTGTAAAGTTAAGAGCATTTCATTTCCACTCCATATTTTACAAGCTGATTCATAAT-3'
Protein context (NP_114432.2, residues 470-490): GNEMLLTLHK[Met480Thr]GITTATFPIL